The following is an entry in ClinVar:

NM_201384.3(PLEC):c.4469G>A (p.Arg1490Gln)

Gene: PLEC (plectin; minus strand). Cytogenetic location: 8q24.3.
Variant type: single nucleotide variant.
Coding change: c.4469G>A on transcript NM_201384.3 (MANE Select); coding-DNA position 4469, G replaced by A.
Protein change: p.Arg1490Gln; replaces arginine 1490 with glutamine.
Molecular consequence: missense variant.
Genome position (GRCh38, 1-based): chr8:143,925,460, C>T on the plus strand (G>A on the coding strand, the complement: PLEC is on the minus strand). VCF-style: chr8-143925460-C-T. GRCh37 (hg19) VCF-style: chr8-144999628-C-T.
Other names: c.4550G>A, p.Arg1517Gln (NM_000445.5); c.4427G>A, p.Arg1476Gln (NM_201378.4); c.4403G>A, p.Arg1468Gln (NM_201379.3); c.4880G>A, p.Arg1627Gln (NM_201380.4); c.4373G>A, p.Arg1458Gln (NM_201381.3); c.4469G>A, p.Arg1490Gln (NM_201382.4); c.4481G>A, p.Arg1494Gln (NM_201383.3); short protein forms R1627Q, R1490Q, R1468Q, R1458Q, R1476Q, R1494Q, R1517Q.
Identifiers: ClinVar variation 283695 (VCV000283695.18), dbSNP rs371290504, ClinGen allele CA4926649.

ClinVar aggregate classification (germline): Conflicting classifications of pathogenicity. Review status: criteria provided, conflicting classifications (1 of 4 stars). 7 submissions from 7 submitters: Uncertain significance (6); Likely benign (1). Last evaluated 2026-09-07.

Conditions:
PLEC-related disorder. Also called: PLEC-related condition; PLEC-related disorders.
Epidermolysis bullosa simplex 5C, with pyloric atresia (EBS5C). Also called: PLEC-Related Epidermolysis Bullosa with Pyloric Atresia; Epidermolysis bullosa simplex with pyloric atresia; PLEC1-Related Epidermolysis Bullosa with Pyloric Atresia. Identifiers: Orphanet 158684, MedGen C2677349, MONDO:0012807, OMIM 612138.
Epidermolysis bullosa simplex with nail dystrophy (EBS5D). Identifiers: MedGen C4225309, MONDO:0014661, OMIM 616487.
Autosomal recessive limb-girdle muscular dystrophy type 2Q (LGMDR17). Also called: MUSCULAR DYSTROPHY, LIMB-GIRDLE, AUTOSOMAL RECESSIVE 17. Identifiers: Orphanet 254361, MedGen C3150989, MONDO:0013390, OMIM 613723.
Epidermolysis bullosa simplex, Ogna type (EBS5A). Also called: Pidermolysis bullosa simplex 5A, Ogna type; EPIDERMOLYSIS BULLOSA SIMPLEX 5A, OGNA TYPE. Identifiers: Orphanet 79401, MedGen C0432317, MONDO:0007555, OMIM 131950.
Epidermolysis bullosa simplex 5B, with muscular dystrophy (EBS5B). Also called: EPIDERMOLYSIS BULLOSA SIMPLEX AND LIMB-GIRDLE MUSCULAR DYSTROPHY; Epidermolysis bullosa simplex with muscular dystrophy. Identifiers: Orphanet 257, MedGen C2931072, MONDO:0009181, OMIM 226670.

Allele frequency attached by ClinVar (database versions not stated): TOPMed 0.00028; gnomAD 0.00030; ESP Exome Variant Server 0.00042; gnomAD exomes 0.00007 and 0.00010; ExAC 0.00010.
gnomAD v4.1: 145 of 1,595,832 alleles (0.0091%); highest among the groups gnomAD compares: Middle Eastern, 0.083%; no homozygotes.

Submissions (7):

PreventionGenetics, part of Exact Sciences
Classification: Uncertain significance for PLEC-related condition. Last evaluated: 2026-09-07. Review status: criteria provided, single submitter. Criteria: ACMG Guidelines, 2015. Collection method: clinical testing. Allele origin: germline.
Comment: The PLEC c.4550G>A variant is predicted to result in the amino acid substitution p.Arg1517Gln. This variant was reported in an individual with poster uveitis (reported on alternative transcript NM_201380 as c.4880G>A (p.Arg1627Gln), Supplementary Table S2, Li et al. 2020. PubMed ID: 32707200). This variant is reported in 0.068% of alleles in individuals of African descent in gnomAD. Although we suspect that this variant may be benign, at this time, the clinical significance of this variant is uncertain due to the absence of conclusive functional and genetic evidence.

Labcorp Genetics (formerly Invitae), Labcorp
Classification: Uncertain significance for Autosomal recessive limb-girdle muscular dystrophy type 2Q; Epidermolysis bullosa simplex, Ogna type; Epidermolysis bullosa simplex with nail dystrophy; Epidermolysis bullosa simplex 5C, with pyloric atresia; Epidermolysis bullosa simplex 5B, with muscular dystrophy. Last evaluated: 2025-12-09. Review status: criteria provided, single submitter. Criteria: Invitae Variant Classification Sherloc (09022015). Collection method: clinical testing. Allele origin: germline.
Comment: This sequence change replaces arginine, which is basic and polar, with glutamine, which is neutral and polar, at codon 1517 of the PLEC protein (p.Arg1517Gln). This variant is present in population databases (rs371290504, gnomAD 0.07%). This missense change has been observed in individual(s) with posterior uveitis (PMID: 32707200). ClinVar contains an entry for this variant (Variation ID: 283695). Invitae Evidence Modeling of protein sequence and biophysical properties (such as structural, functional, and spatial information, amino acid conservation, physicochemical variation, residue mobility, and thermodynamic stability) indicates that this missense variant is not expected to disrupt PLEC protein function with a negative predictive value of 80%. In summary, the available evidence is currently insufficient to determine the role of this variant in disease. Therefore, it has been classified as a Variant of Uncertain Significance.

Blueprint Genetics
Classification: Uncertain significance. Last evaluated: 2024-01-16. Review status: criteria provided, single submitter. Criteria: ACMG Guidelines, 2015. Collection method: clinical testing. Allele origin: germline.

Revvity Omics, Revvity
Classification: Likely benign. Last evaluated: 2023-03-10. Review status: criteria provided, single submitter. Criteria: ACMG Guidelines, 2015. Collection method: clinical testing. Allele origin: germline.

GeneDx
Classification: Uncertain significance. Last evaluated: 2022-11-02. Review status: criteria provided, single submitter. Criteria: GeneDx Variant Classification Process June 2021. Collection method: clinical testing. Allele origin: germline. Affected: yes.
Comment: Reported in a proband with posterior uveitis, but detailed clinical and segregation information were not provided (Li et al., 2021); Also known as p.(R1627Q); In silico analysis supports that this missense variant does not alter protein structure/function; This variant is associated with the following publications: (PMID: 32707200)

Eurofins Ntd Llc (ga)
Classification: Uncertain significance. Last evaluated: 2015-10-06. Review status: criteria provided, single submitter. Criteria: EGL Classification Definitions 2015. Collection method: clinical testing. Allele origin: germline. Observed: 1 variant allele, 1 heterozygote.

Breakthrough Genomics
Classification: Uncertain significance. Review status: criteria provided, single submitter. Criteria: ACMG Guidelines, 2015. Collection method: not provided. Allele origin: germline. Inheritance: Autosomal recessive inheritance. Affected: yes.

Literature cited by the submitters: PubMed 32707200 (cited by Labcorp Genetics (formerly Invitae), Labcorp).